The following is an entry in ClinVar:

ClinVar aggregate classification (germline): Benign. Review status: criteria provided, multiple submitters, no conflicts (2 of 4 stars). 2 submissions from 2 submitters: Benign (2). Last evaluated 2016-03-29.

Allele frequency attached by ClinVar (database versions not stated): 1000 Genomes Project 30x 0.63210; 1000 Genomes Project 0.63239; TOPMed 0.65682; gnomAD 0.66801 and 0.66854; ESP Exome Variant Server 0.66820; gnomAD exomes 0.67511 and 0.67561; ExAC 0.71851.
gnomAD v4.1: 1,040,098 of 1,540,652 alleles (68%); highest among the groups gnomAD compares: South Asian, 76%; 352,759 homozygotes.

Submissions (2):

Laboratory for Molecular Medicine, Mass General Brigham Personalized Medicine
Classification: Benign. Last evaluated: 2016-03-29. Review status: criteria provided, single submitter. Criteria: LMM Criteria. Collection method: clinical testing. Allele origin: germline.
Comment: Variant identified in a genome or exome case(s) and assessed due to predicted null impact of the variant or pathogenic assertions in the literature or databases. Disclaimer: This variant has not undergone full assessment. The following are preliminary notes: Frequency

Breakthrough Genomics
Classification: Benign. Review status: criteria provided, single submitter. Criteria: ACMG Guidelines, 2015. Collection method: not provided. Allele origin: germline. Inheritance: Unknown mechanism. Affected: yes.

NM_001366028.2(DNAH12):c.3053+9A>G

Gene: DNAH12 (dynein axonemal heavy chain 12; minus strand). Cytogenetic location: 3p14.3.
Variant type: single nucleotide variant.
Coding change: c.3053+9A>G on transcript NM_001366028.2 (MANE Select); 9 bases into the intron after coding-DNA position 3053, A replaced by G.
Molecular consequence: intron variant.
Genome position (GRCh38, 1-based): chr3:57,458,090, T>C on the plus strand (A>G on the coding strand, the complement: DNAH12 is on the minus strand). VCF-style: chr3-57458090-T-C. GRCh37 (hg19) VCF-style: chr3-57443817-T-C.
Identifiers: ClinVar variation 402639 (VCV000402639.5), dbSNP rs6768661, ClinGen allele CA2465107.